The following is an entry in ClinVar:

ClinVar aggregate classification (germline): Uncertain significance (1 of 4 stars; one submission).

Allele frequency attached by ClinVar (database versions not stated): gnomAD 0.00001; TOPMed below 0.00001.
gnomAD v4.1: 1 of 1,612,690 alleles (0.000062%); highest among the groups gnomAD compares: African/African-American, 0.0013%; no homozygotes.

Submission:

Labcorp Genetics (formerly Invitae), Labcorp
Classification: Uncertain significance. Last evaluated: 2025-06-12. Review status: criteria provided, single submitter. Criteria: Invitae Variant Classification Sherloc (09022015). Collection method: clinical testing. Allele origin: germline.
Comment: This sequence change replaces valine, which is neutral and non-polar, with isoleucine, which is neutral and non-polar, at codon 387 of the CD2AP protein (p.Val387Ile). This variant is not present in population databases (gnomAD no frequency). This variant has not been reported in the literature in individuals affected with CD2AP-related conditions. ClinVar contains an entry for this variant (Variation ID: 1474967). Invitae Evidence Modeling of protein sequence and biophysical properties (such as structural, functional, and spatial information, amino acid conservation, physicochemical variation, residue mobility, and thermodynamic stability) indicates that this missense variant is not expected to disrupt CD2AP protein function with a negative predictive value of 80%. In summary, the available evidence is currently insufficient to determine the role of this variant in disease. Therefore, it has been classified as a Variant of Uncertain Significance.

NM_012120.3(CD2AP):c.1159G>A (p.Val387Ile)

Gene: CD2AP (CD2 associated protein; plus strand). Cytogenetic location: 6p12.3.
Variant type: single nucleotide variant.
Coding change: c.1159G>A on transcript NM_012120.3 (MANE Select); coding-DNA position 1159, G replaced by A.
Protein change: p.Val387Ile; replaces valine 387 with isoleucine.
Molecular consequence: missense variant.
Genome position (GRCh38, 1-based): chr6:47,595,911, G>A. VCF-style: chr6-47595911-G-A. GRCh37 (hg19) VCF-style: chr6-47563647-G-A.
Other names: short protein forms V387I.
Identifiers: ClinVar variation 1474967 (VCV001474967.6), dbSNP rs1316385249, ClinGen allele CA363946933.